The following is an entry in ClinVar:

ClinVar aggregate classification (germline): Pathogenic (1 of 4 stars; one submission).

Conditions:
Lymphangiomyomatosis (LAM). Also called: Lymphangioleiomyomatosis; Lymphangioleiomyomatosis, somatic. Identifiers: Orphanet 538, MedGen C0751674, MONDO:0011705, OMIM 606690.
Isolated focal cortical dysplasia type II (FCORD2). Also called: Focal cortical dysplasia type II; CORTICAL DYSPLASIA OF TAYLOR. Identifiers: Orphanet 268994, MedGen C1846385, MONDO:0011818, OMIM 607341, HP:0032051.
Tuberous sclerosis 2 (TSC2). Identifiers: Orphanet 805, MedGen C1860707, MONDO:0013199, OMIM 613254.

Submission:

Juno Genomics, Hangzhou Juno Genomics, Inc
Classification: Pathogenic for Isolated focal cortical dysplasia type II; Lymphangiomyomatosis; Tuberous sclerosis 2. Review status: criteria provided, single submitter. Criteria: ACMG Guidelines, 2015. Collection method: clinical testing. Allele origin: germline.
Comment: Absent from controls (or at extremely low frequency if recessive) in Genome Aggregation Database.;Null variant in a gene where loss of function (LOF) is a known mechanism of disease.;De novo (both maternity and paternity confirmed) in a patient with the disease and no family history.

NM_000548.5(TSC2):c.2742+2T>G

Gene: TSC2 (TSC complex subunit 2; plus strand). Cytogenetic location: 16p13.3.
Variant type: single nucleotide variant.
Coding change: c.2742+2T>G on transcript NM_000548.5 (MANE Select); the canonical splice donor site of the intron after coding-DNA position 2742, T replaced by G.
Molecular consequence: splice donor variant.
Genome position (GRCh38, 1-based): chr16:2,076,172, T>G. VCF-style: chr16-2076172-T-G. GRCh37 (hg19) VCF-style: chr16-2126173-T-G.
Other names: c.2142+2T>G (NM_001406683.1, NM_001406687.1, NM_001406680.1 and 6 more transcripts); c.1398+2T>G (NM_001406689.1, NM_001406690.1, NM_001406692.1 and 6 more transcripts); c.1140+2T>G (NM_001406698.1); c.2742+2T>G (NM_001114382.3, NM_001406663.1, NM_001406664.1 and 6 more transcripts); c.2730+2T>G (NM_001406671.1, NM_001406673.1); c.2280+2T>G (NM_001406681.1); c.2631+2T>G (NM_001406670.1, NM_001318827.2, NM_001406678.1); c.2832+2T>G (NM_001406667.1, NM_001406668.1); and 3 more.
Identifiers: ClinVar variation 5019806 (VCV005019806.2).
Genomic context (GRCh38, chr16:2,076,172, plus strand): 5'-TGTGGTTCATCAGGTGCCGCCTGCCCTTCCGGAAGGATTTTGTCCCTTTCATCACTAAGG[T>G]GGGCTCAGGGCCGGTGAAGGCTGTGTCTCTCGGTAGGCCAGGGCTTGCTTTGCCCTTGGC-3'